The following is an entry in ClinVar:

NM_001370259.2(MEN1):c.893C>T (p.Pro298Leu)

Gene: MEN1 (menin 1; minus strand). Cytogenetic location: 11q13.1.
Variant type: single nucleotide variant.
Coding change: c.893C>T on transcript NM_001370259.2 (MANE Select); coding-DNA position 893, C replaced by T.
Protein change: p.Pro298Leu; replaces proline 298 with leucine.
Molecular consequence: missense variant.
Genome position (GRCh38, 1-based): chr11:64,807,030, G>A on the plus strand (C>T on the coding strand, the complement: MEN1 is on the minus strand). VCF-style: chr11-64807030-G-A. GRCh37 (hg19) VCF-style: chr11-64574502-G-A.
Other names: c.908C>T, p.Pro303Leu (NM_000244.4, NM_130800.3, NM_130801.3 and 3 more transcripts); c.893C>T, p.Pro298Leu (NM_001370251.2, NM_001370260.2, NM_001370261.2 and 1 more transcripts); c.788C>T, p.Pro263Leu (NM_001370262.2, NM_001370263.2); short protein forms P263L, P298L, P303L.
Identifiers: ClinVar variation 1482422 (VCV001482422.9), dbSNP rs2136128195, ClinGen allele CA381183516.

ClinVar aggregate classification (germline): Uncertain significance. Review status: criteria provided, multiple submitters, no conflicts (2 of 4 stars). 2 submissions from 2 submitters: Uncertain significance (2). Last evaluated 2025-04-15.

Conditions:
Hereditary cancer-predisposing syndrome. Also called: Hereditary neoplastic syndrome; Tumor predisposition; Neoplastic Syndromes, Hereditary; Hereditary Cancer Syndrome. Identifiers: Orphanet 140162, MedGen C0027672, MeSH D009386, MONDO:0015356.
Multiple endocrine neoplasia, type 1 (MEN1). Also called: MEN I; WERMER SYNDROME; Endocrine adenomatosis multiple; MEN 1; MEA I. Identifiers: Orphanet 652, MedGen C0025267, MeSH D018761, MONDO:0007540, OMIM 131100.

Submissions (2):

Ambry Genetics
Classification: Uncertain significance for Hereditary cancer-predisposing syndrome. Last evaluated: 2025-04-15. Review status: criteria provided, single submitter. Criteria: Ambry Variant Classification Scheme 2023. Collection method: clinical testing. Allele origin: germline.
Comment: The p.P298L variant (also known as c.893C>T), located in coding exon 5 of the MEN1 gene, results from a C to T substitution at nucleotide position 893. The proline at codon 298 is replaced by leucine, an amino acid with similar properties. This amino acid position is conserved. In addition, this alteration is predicted to be deleterious by in silico analysis. Since supporting evidence is limited at this time, the clinical significance of this alteration remains unclear.

Labcorp Genetics (formerly Invitae), Labcorp
Classification: Uncertain significance for Multiple endocrine neoplasia, type 1. Last evaluated: 2025-01-22. Review status: criteria provided, single submitter. Criteria: Invitae Variant Classification Sherloc (09022015). Collection method: clinical testing. Allele origin: germline.
Comment: This sequence change replaces proline, which is neutral and non-polar, with leucine, which is neutral and non-polar, at codon 298 of the MEN1 protein (p.Pro298Leu). This variant is not present in population databases (gnomAD no frequency). This variant has not been reported in the literature in individuals affected with MEN1-related conditions. ClinVar contains an entry for this variant (Variation ID: 1482422). Invitae Evidence Modeling of protein sequence and biophysical properties (such as structural, functional, and spatial information, amino acid conservation, physicochemical variation, residue mobility, and thermodynamic stability) indicates that this missense variant is expected to disrupt MEN1 protein function with a positive predictive value of 95%. In summary, the available evidence is currently insufficient to determine the role of this variant in disease. Therefore, it has been classified as a Variant of Uncertain Significance.